The following is an entry in ClinVar:

NM_005618.4(DLL1):c.2081C>G (p.Ser694Trp)

Genes: DLL1 (delta like canonical Notch ligand 1; minus strand), LOC126859913 (P300/CBP strongly-dependent group 1 enhancer GRCh37_chr6:170591232-170592431; plus strand). Cytogenetic location: 6q27.
Variant type: single nucleotide variant.
Coding change: c.2081C>G on transcript NM_005618.4 (MANE Select); coding-DNA position 2081, C replaced by G.
Protein change: p.Ser694Trp; replaces serine 694 with tryptophan.
Molecular consequence: missense variant.
Genome position (GRCh38, 1-based): chr6:170,283,073, G>C on the plus strand (C>G on the coding strand, the complement: DLL1 is on the minus strand). VCF-style: chr6-170283073-G-C. GRCh37 (hg19) VCF-style: chr6-170592161-G-C.
Other names: short protein forms S694W.
Identifiers: ClinVar variation 4881188 (VCV004881188.2).
Genomic context (GRCh38, chr6:170,283,073, plus strand): 5'-TTCTCCTCGGATATGACGTACACCGACTGGTACTTGGTGTCTTTTGAAGTTGAACAGCCC[G>C]AGTCCGGCCTTTTTCTTTCAGATGCTTCTCCACTAAAAGGAAAATAGAGAAAATCCACAA-3'
Protein context (NP_005609.3, residues 684-704): GEASERKRPD[Ser694Trp]GCSTSKDTKY

ClinVar aggregate classification (germline): Uncertain significance (1 of 4 stars; one submission).

Submission:

Dasa
Classification: Uncertain significance. Last evaluated: 2025-03-11. Review status: criteria provided, single submitter. Criteria: DASA Assertion Criteria. Collection method: clinical testing. Allele origin: germline.
Comment: NM_005618.4(DLL1):c.2081C>G (p.Ser694Trp) is a missense variant that results in the substitution of serine with tryptophan. This variant is absent from population databases. The currently available literature and clinical evidence are not sufficient to establish a definitive association between this variant and the reported condition. Therefore, this variant is classified as a variant of uncertain significance.